The following is an entry in ClinVar:

ClinVar aggregate classification (germline): Pathogenic/Likely pathogenic. Review status: criteria provided, multiple submitters, no conflicts (2 of 4 stars). 4 submissions from 4 submitters: Pathogenic (3); Likely pathogenic (1). Last evaluated 2025-09-10.

Conditions:
Familial hemophagocytic lymphohistiocytosis (FHL). Also called: Familial erythrophagocytic lymphohistiocytosis; Familial histiocytic reticulosis; Hereditary hemophagocytic lymphohistiocytosis. Identifiers: Orphanet 158038, Orphanet 540, MedGen C0272199, MONDO:0015541.
Aplastic anemia. Identifiers: Orphanet 182040, Orphanet 88, MedGen C0002874, MONDO:0015909, OMIM 609135, HP:0001915.
Familial hemophagocytic lymphohistiocytosis 2 (FHL2). Also called: PRF1-Related Familial Hemophagocytic Lymphohistiocytosis (PRF1-fHLH). Identifiers: Orphanet 540, MedGen C1863727, MONDO:0011337, OMIM 603553.

Submissions (4):

Labcorp Genetics (formerly Invitae), Labcorp
Classification: Pathogenic for Familial hemophagocytic lymphohistiocytosis 2. Last evaluated: 2025-09-10. Review status: criteria provided, single submitter. Criteria: Invitae Variant Classification Sherloc (09022015). Collection method: clinical testing. Allele origin: germline.
Comment: This sequence change creates a premature translational stop signal (p.His398Alafs*23) in the PRF1 gene. While this is not anticipated to result in nonsense mediated decay, it is expected to disrupt the last 158 amino acid(s) of the PRF1 protein. This variant is present in population databases (no rsID available, gnomAD no frequency). This premature translational stop signal has been observed in individual(s) with hemophagocytic lymphohistiocytosis (PMID: 15840696). This variant is also known as 1190 1191 ins TG. This variant disrupts a region of the PRF1 protein in which other variant(s) (p.Asp491Asn) have been determined to be pathogenic (PMID: 25577959, 33746956). This suggests that this is a clinically significant region of the protein, and that variants that disrupt it are likely to be disease-causing. For these reasons, this variant has been classified as Pathogenic.

Myriad Genetics, Inc.
Classification: Pathogenic for Familial hemophagocytic lymphohistiocytosis 2. Last evaluated: 2025-01-31. Review status: criteria provided, single submitter. Criteria: Myriad Autosomal Dominant, Autosomal Recessive and X-Linked Classification Criteria (2023). Collection method: clinical testing. Allele origin: unknown.
Comment: NM_001083116.1(PRF1):c.1189_1190dupTG(H398Afs*23) is a frameshift variant classified as pathogenic in the context of familial hemophagocytic lymphohistiocytosis, PRF1-related. H398Afs*23 has been observed in cases with relevant disease (PMID: 15840696, 37390248). Relevant functional assessments of this variant are not available in the literature. H398Afs*23 has been observed in referenced population frequency databases. In summary, NM_001083116.1(PRF1):c.1189_1190dupTG(H398Afs*23) is a frameshift variant in a gene where loss of function is a known mechanism of disease, is predicted to disrupt protein function, and has been observed more frequently in cases with the relevant disease than in healthy populations. Please note: this variant was assessed in the context of healthy population screening.

Baylor Genetics
Classification: Pathogenic for Aplastic anemia. Last evaluated: 2023-04-03. Review status: criteria provided, single submitter. Criteria: ACMG Guidelines, 2015. Collection method: clinical testing. Allele origin: unknown.

Women's Health and Genetics/Laboratory Corporation of America, LabCorp
Classification: Likely pathogenic for Familial hemophagocytic lymphohistiocytosis. Last evaluated: 2021-03-09. Review status: criteria provided, single submitter. Criteria: LabCorp Variant Classification Summary - May 2015. Collection method: clinical testing. Allele origin: germline.
Comment: Variant summary: PRF1 c.1189_1190dupTG (p.His398AlafsX23) results in a premature termination codon, predicted to cause a truncation of the encoded protein or absence of the protein due to nonsense mediated decay, which are commonly known mechanisms for disease. Truncations downstream of this position have been classified as pathogenic by our laboratory. The variant allele was found at a frequency of 4e-06 in 248344 control chromosomes (gnomAD). c.1189_1190dupTG has been reported in the literature co-segregating with disease in two compound heterozygous siblings affected with Familial Hemophagocytic Lymphohistiocytosis (Grossman_2005). These data indicate that the variant may be associated with disease. No clinical diagnostic laboratories have submitted clinical-significance assessments for this variant to ClinVar after 2014. Based on the evidence outlined above, the variant was classified as likely pathogenic.

Literature cited by the submitters: PubMed 15840696 (cited by 3 submitters); PubMed 25577959 (cited by Labcorp Genetics (formerly Invitae), Labcorp); PubMed 33746956 (cited by Labcorp Genetics (formerly Invitae), Labcorp); PubMed 37390248 (cited by Myriad Genetics, Inc.).

NM_001083116.3(PRF1):c.1189_1190dup (p.His398fs)

Gene: PRF1 (perforin 1; minus strand). Cytogenetic location: 10q22.1.
Variant type: Microsatellite.
Coding change: c.1189_1190dup on transcript NM_001083116.3 (MANE Select); coding-DNA positions 1189 to 1190, 2 bases duplicated (TG; older notation c.1189_1190dupTG).
Protein change: p.His398fs; shifts the reading frame from histidine 398.
Molecular consequence: frameshift variant.
Genome position (GRCh38, 1-based): chr10:70,598,531-70,598,532, CA duplicated on the plus strand (TG on the coding strand, the reverse complement: PRF1 is on the minus strand); duplicating any 2 consecutive bases within chr10:70,598,531-70,598,539 gives the same sequence; the c. name uses the placement nearest the transcript's 3' end. VCF-style (leftmost placement, unchanged base first): chr10-70598530-G-GCA. GRCh37 (hg19) VCF-style: chr10-72358286-G-GCA.
Other names: c.1189_1190dup, p.His398fs (NM_005041.6); short protein forms H398fs.
Identifiers: ClinVar variation 1027586 (VCV001027586.6), dbSNP rs1361687182, ClinGen allele CA594704952.